The following is an entry in ClinVar:

ClinVar aggregate classification (germline): Uncertain significance (1 of 4 stars; one submission).

Conditions:
EED-related disorder. Also called: EED-related condition.

Allele frequency attached by ClinVar (database versions not stated): ExAC 0.00001; gnomAD 0.00001; TOPMed 0.00001; gnomAD exomes 0.00004.
gnomAD v4.1: 60 of 1,608,290 alleles (0.0037%); highest among the groups gnomAD compares: Non-Finnish European, 0.0049%; no homozygotes.

Submission:

PreventionGenetics, part of Exact Sciences
Classification: Uncertain significance for EED-related condition. Last evaluated: 2022-09-19. Review status: criteria provided, single submitter. Criteria: ACMG Guidelines, 2015. Collection method: clinical testing. Allele origin: germline.
Comment: The EED c.184G>A variant is predicted to result in the amino acid substitution p.Ala62Thr. To our knowledge, this variant has not been reported in the literature. This variant is reported in 0.0018% of alleles in individuals of European (Non-Finnish) descent in gnomAD. At this time, the clinical significance of this variant is uncertain due to the absence of conclusive functional and genetic evidence.

NM_003797.5(EED):c.184G>A (p.Ala62Thr)

Gene: EED (embryonic ectoderm development; plus strand). Cytogenetic location: 11q14.2.
Variant type: single nucleotide variant.
Coding change: c.184G>A on transcript NM_003797.5 (MANE Select); coding-DNA position 184, G replaced by A.
Protein change: p.Ala62Thr; replaces alanine 62 with threonine.
Molecular consequence: missense variant.
Genome position (GRCh38, 1-based): chr11:86,250,365, G>A. VCF-style: chr11-86250365-G-A. GRCh37 (hg19) VCF-style: chr11-85961407-G-A.
Other names: c.184G>A, p.Ala62Thr (NM_001308007.2, NM_001330334.2); short protein forms A62T.
Identifiers: ClinVar variation 2636438 (VCV002636438.1), dbSNP rs759130955, ClinGen allele CA6216351.